The following is an entry in ClinVar:

ClinVar aggregate classification (germline): Uncertain significance (1 of 4 stars; one submission).

Allele frequency attached by ClinVar (database versions not stated): ExAC 0.00007.
gnomAD v4.1: 72 of 1,608,074 alleles (0.0045%); highest among the groups gnomAD compares: Non-Finnish European, 0.006%; no homozygotes.

Submission:

Labcorp Genetics (formerly Invitae), Labcorp
Classification: Uncertain significance. Last evaluated: 2024-10-21. Review status: criteria provided, single submitter. Criteria: Invitae Variant Classification Sherloc (09022015). Collection method: clinical testing. Allele origin: germline.
Comment: This sequence change replaces isoleucine, which is neutral and non-polar, with valine, which is neutral and non-polar, at codon 96 of the IFT88 protein (p.Ile96Val). This variant is present in population databases (rs780723603, gnomAD 0.01%). This variant has not been reported in the literature in individuals affected with IFT88-related conditions. ClinVar contains an entry for this variant (Variation ID: 1363061). An algorithm developed to predict the effect of missense changes on protein structure and function outputs the following: PolyPhen-2: "Benign". The valine amino acid residue is found in multiple mammalian species, which suggests that this missense change does not adversely affect protein function. In summary, the available evidence is currently insufficient to determine the role of this variant in disease. Therefore, it has been classified as a Variant of Uncertain Significance.

NM_006531.5(IFT88):c.259A>G (p.Ile87Val)

Gene: IFT88 (intraflagellar transport 88; plus strand). Cytogenetic location: 13q12.11.
Variant type: single nucleotide variant.
Coding change: c.259A>G on transcript NM_006531.5 (MANE Select); coding-DNA position 259, A replaced by G.
Protein change: p.Ile87Val; replaces isoleucine 87 with valine.
Molecular consequence: missense variant. On other transcripts: 5 prime UTR variant (1), non-coding transcript variant (5).
Genome position (GRCh38, 1-based): chr13:20,591,015, A>G. VCF-style: chr13-20591015-A-G. GRCh37 (hg19) VCF-style: chr13-21165154-A-G.
Other names: c.202A>G, p.Ile68Val (NM_001318491.2, NM_001353573.2, NM_001353574.2 and 1 more transcripts); c.286A>G, p.Ile96Val (NM_001318493.2, NM_001353565.2, NM_001353566.2 and 6 more transcripts); c.259A>G, p.Ile87Val (NM_001353568.2, NM_001353571.2, NM_001353572.2 and 1 more transcripts); c.-305A>G (NM_001353579.2); short protein forms I68V, I96V, I87V.
Identifiers: ClinVar variation 1363061 (VCV001363061.6), dbSNP rs780723603, ClinGen allele CA6905006.